The following is an entry in ClinVar:

ClinVar aggregate classification (germline): Uncertain significance (1 of 4 stars; one submission).

Conditions:
Pulmonary fibrosis and/or bone marrow failure, Telomere-related, 3. Also called: PULMONARY FIBROSIS AND/OR BONE MARROW FAILURE SYNDROME, TELOMERE-RELATED, 3. Identifiers: Orphanet 2032, MedGen C4225346, MONDO:0014613, OMIM 616373.
Dyskeratosis congenita, autosomal recessive 5 (DKCB5). Identifiers: MedGen C3554656, MONDO:0014076, OMIM 615190.

Allele frequency attached by ClinVar (database versions not stated): gnomAD exomes below 0.00001.
gnomAD v4.1: 2 of 1,614,164 alleles (0.00012%); highest among the groups gnomAD compares: Non-Finnish European, 0.00017%; no homozygotes.

Submission:

Labcorp Genetics (formerly Invitae), Labcorp
Classification: Uncertain significance for Dyskeratosis congenita, autosomal recessive 5; Pulmonary fibrosis and/or bone marrow failure, Telomere-related, 3. Last evaluated: 2023-10-19. Review status: criteria provided, single submitter. Criteria: Invitae Variant Classification Sherloc (09022015). Collection method: clinical testing. Allele origin: germline.
Comment: This sequence change replaces isoleucine, which is neutral and non-polar, with leucine, which is neutral and non-polar, at codon 279 of the RTEL1 protein (p.Ile279Leu). This variant is not present in population databases (gnomAD no frequency). This variant has not been reported in the literature in individuals affected with RTEL1-related conditions. Algorithms developed to predict the effect of missense changes on protein structure and function output the following: SIFT: "Not Available"; PolyPhen-2: "Benign"; Align-GVGD: "Not Available". The leucine amino acid residue is found in multiple mammalian species, which suggests that this missense change does not adversely affect protein function. In summary, the available evidence is currently insufficient to determine the role of this variant in disease. Therefore, it has been classified as a Variant of Uncertain Significance.

NM_001283009.2(RTEL1):c.835A>C (p.Ile279Leu)

Genes: RTEL1 (regulator of telomere elongation helicase 1; plus strand), RTEL1-TNFRSF6B (RTEL1-TNFRSF6B readthrough (NMD candidate); plus strand). Cytogenetic location: 20q13.33.
Variant type: single nucleotide variant.
Coding change: c.835A>C on transcript NM_001283009.2 (MANE Select); coding-DNA position 835, A replaced by C.
Protein change: p.Ile279Leu; replaces isoleucine 279 with leucine.
Molecular consequence: missense variant. On other transcripts: non-coding transcript variant (1).
Genome position (GRCh38, 1-based): chr20:63,674,009, A>C. VCF-style: chr20-63674009-A-C. GRCh37 (hg19) VCF-style: chr20-62305362-A-C.
Other names: c.166A>C, p.Ile56Leu (NM_001283010.1); c.835A>C, p.Ile279Leu (NM_016434.4); c.907A>C, p.Ile303Leu (NM_032957.5); short protein forms I303L, I56L, I279L.
Identifiers: ClinVar variation 2929919 (VCV002929919.1), dbSNP rs2517039834, ClinGen allele CA409672808.